The following is an entry in ClinVar:

NM_002878.4(RAD51D):c.324C>G (p.Gly108=)

Genes: RAD51D (RAD51 paralog D; minus strand), RAD51L3-RFFL (RAD51L3-RFFL readthrough; minus strand). Cytogenetic location: 17q12.
Variant type: single nucleotide variant.
Coding change: c.324C>G on transcript NM_002878.4 (MANE Select); coding-DNA position 324, C replaced by G.
Protein change: p.Gly108=; no amino-acid change (glycine 108 retained).
Molecular consequence: synonymous variant. On other transcripts: non-coding transcript variant (2), intron variant (1).
Genome position (GRCh38, 1-based): chr17:35,107,387, G>C on the plus strand (C>G on the coding strand, the complement: RAD51D is on the minus strand). VCF-style: chr17-35107387-G-C. GRCh37 (hg19) VCF-style: chr17-33434406-G-C.
Other names: c.384C>G, p.Gly128= (NM_001142571.2); c.145-906C>G (NM_133629.3).
Identifiers: ClinVar variation 3903955 (VCV003903955.2).
Genomic context (GRCh38, chr17:35,107,387, plus strand): 5'-TCACCCCTAAATCCTCCTGACTGCTGGCCTCACATGTACCTGAGTTTTGCCGCTACCTGG[G>C]CCTCCTACAATTTCAGTCACTTCTCCAGTATAGAGACCAGCATCAAGCAGTTTATCAAGA-3'
Protein context (NP_002869.3, residues 98-118): YTGEVTEIVG[Gly108=]PGSGKTQVCL

ClinVar aggregate classification (germline): Conflicting classifications of pathogenicity. Review status: criteria provided, conflicting classifications (1 of 4 stars). 2 submissions from 2 submitters: Uncertain significance (1); Benign (1). Last evaluated 2025-04-09.

Conditions:
Hereditary cancer-predisposing syndrome. Also called: Hereditary Cancer Syndrome; Hereditary neoplastic syndrome; Neoplastic Syndromes, Hereditary; Tumor predisposition. Identifiers: Orphanet 140162, MedGen C0027672, MeSH D009386, MONDO:0015356.
Breast-ovarian cancer, familial, susceptibility to, 4. Identifiers: Orphanet 145, MedGen C3280345, MONDO:0013669, OMIM 614291.

Submissions (2):

Ambry Genetics
Classification: Uncertain significance for Hereditary cancer-predisposing syndrome. Last evaluated: 2025-04-09. Review status: criteria provided, single submitter. Criteria: Ambry Variant Classification Scheme 2023. Collection method: clinical testing. Allele origin: germline.
Comment: The c.324C>G variant (also known as p.G108G), located in coding exon 4 of the RAD51D gene, results from a C to G substitution at nucleotide position 324. This nucleotide substitution does not change the amino acid at codon 108. This nucleotide position is well conserved in available vertebrate species. In silico splice site analysis for this alteration is inconclusive and direct evidence is insufficient at this time (Ambry internal data). Based on the available evidence, the clinical significance of this variant remains unclear.

Myriad Genetics, Inc.
Classification: Benign for Breast-ovarian cancer, familial, susceptibility to, 4. Last evaluated: 2025-02-21. Review status: criteria provided, single submitter. Criteria: Myriad Autosomal Dominant, Autosomal Recessive and X-Linked Classification Criteria (2023). Collection method: clinical testing. Allele origin: unknown.
Comment: This variant is considered benign. This variant is a silent/synonymous amino acid change and it is not expected to impact splicing.